The following is an entry in ClinVar:

ClinVar aggregate classification (germline): Uncertain significance. Review status: criteria provided, single submitter (1 of 4 stars). 2 submissions from 2 submitters: Uncertain significance (1). 1 of the submissions does not count toward it. Last evaluated 2022-08-09.

Conditions:
Leber congenital amaurosis (LCA). Also called: Leber's amaurosis. Identifiers: Orphanet 65, MedGen C0339527, MeSH D057130, MONDO:0018998.
Retinitis pigmentosa 12 (RP12). Also called: RP WITH OR WITHOUT PPRPE; RP WITH OR WITHOUT PRESERVED PARAARTERIOLE RETINAL PIGMENT EPITHELIUM; RETINITIS PIGMENTOSA WITH OR WITHOUT PARAARTERIOLAR PRESERVATION OF RETINAL PIGMENT EPITHELIUM. Identifiers: Orphanet 791, MedGen C1838647, MONDO:0010818, OMIM 600105.
Leber congenital amaurosis 8 (LCA8). Identifiers: Orphanet 65, MedGen C3151202, MONDO:0013453, OMIM 613835.

Allele frequency attached by ClinVar (database versions not stated): gnomAD exomes below 0.00001.
gnomAD v4.1: 1 of 1,612,788 alleles (0.000062%); highest among the groups gnomAD compares: Non-Finnish European, 0.000085%; no homozygotes.

Submissions (2):

Labcorp Genetics (formerly Invitae), Labcorp
Classification: Uncertain significance for Leber congenital amaurosis 8; Retinitis pigmentosa 12. Last evaluated: 2022-08-09. Review status: criteria provided, single submitter. Criteria: Invitae Variant Classification Sherloc (09022015). Collection method: clinical testing. Allele origin: germline.
Comment: This variant is not present in population databases (gnomAD no frequency). In summary, the available evidence is currently insufficient to determine the role of this variant in disease. Therefore, it has been classified as a Variant of Uncertain Significance. Advanced modeling of protein sequence and biophysical properties (such as structural, functional, and spatial information, amino acid conservation, physicochemical variation, residue mobility, and thermodynamic stability) performed at Invitae indicates that this missense variant is not expected to disrupt CRB1 protein function. ClinVar contains an entry for this variant (Variation ID: 861171). This variant has not been reported in the literature in individuals affected with CRB1-related conditions. This sequence change replaces glutamic acid, which is acidic and polar, with lysine, which is basic and polar, at codon 1262 of the CRB1 protein (p.Glu1262Lys).

Natera, Inc.
Classification: Uncertain significance for Leber congenital amaurosis. Last evaluated: 2020-08-04. Review status: no assertion criteria provided. Collection method: clinical testing. Allele origin: germline. Not counted in ClinVar's aggregate classification.

NM_201253.3(CRB1):c.3784G>A (p.Glu1262Lys)

Gene: CRB1 (crumbs cell polarity complex component 1; plus strand). Cytogenetic location: 1q31.3.
Variant type: single nucleotide variant.
Coding change: c.3784G>A on transcript NM_201253.3 (MANE Select); coding-DNA position 3784, G replaced by A.
Protein change: p.Glu1262Lys; replaces glutamic acid 1262 with lysine.
Molecular consequence: missense variant. On other transcripts: non-coding transcript variant (2).
Genome position (GRCh38, 1-based): chr1:197,438,581, G>A. VCF-style: chr1-197438581-G-A. GRCh37 (hg19) VCF-style: chr1-197407711-G-A.
Other names: c.3448G>A, p.Glu1150Lys (NM_001193640.2); c.3712G>A, p.Glu1238Lys (NM_001257965.2); c.2176G>A, p.Glu726Lys (NM_001257966.2); short protein forms E726K, E1262K, E1150K, E1238K.
Identifiers: ClinVar variation 861171 (VCV000861171.10), dbSNP rs1007094417, ClinGen allele CA35910387.